The following is an entry in ClinVar:

ClinVar aggregate classification (germline): Pathogenic (1 of 4 stars; one submission).

Conditions:
Retinoblastoma (RB1). Also called: RETINOBLASTOMA, SOMATIC. Identifiers: Orphanet 790, MedGen C0035335, MeSH D012175, MONDO:0008380, OMIM 180200, HP:0009919. Disease mechanism: loss of function. Inheritance: Both sporadic and heritable forms are tested..

Submission:

Genetic Diagnostic Laboratory, University of Pennsylvania School of Medicine
Classification: Pathogenic for Retinoblastoma. Last evaluated: 2024-05-20. Review status: criteria provided, single submitter. Criteria: ACMG Guidelines, 2015. Collection method: clinical testing. Allele origin: germline. Affected: yes. Observed: 1 variant allele.
Comment: Case and Pedigree Information: BILATERAL CASES:1, UNILATERAL CASES:0, TOTAL CASES:1, PEDIGREES:1. ACMG Codes Applied:PVS1, PM2

NM_000321.3(RB1):c.1937del (p.Ser646fs)

Gene: RB1 (RB transcriptional corepressor 1; plus strand). Cytogenetic location: 13q14.2.
Variant type: Deletion.
Coding change: c.1937del on transcript NM_000321.3 (MANE Select); coding-DNA position 1937, one base deleted (C; older notation c.1937delC).
Protein change: p.Ser646fs; shifts the reading frame from serine 646.
Molecular consequence: frameshift variant.
Genome position (GRCh38, 1-based): chr13:48,456,326, C deleted. VCF-style (leftmost placement, unchanged base first): chr13-48456325-TC-T. GRCh37 (hg19) VCF-style: chr13-49030461-TC-T.
Other names: c.1937del, p.Ser646fs (NM_001407165.1); short protein forms S646fs.
Identifiers: ClinVar variation 3237039 (VCV003237039.1), dbSNP rs2542364337.